The following is an entry in ClinVar:

ClinVar aggregate classification (germline): Uncertain significance (1 of 4 stars; one submission).

Conditions:
Malignant hyperthermia, susceptibility to, 1 (MHS1). Also called: Anesthesia related hyperthermia; Malignant hyperpyrexia; Fulminating hyperpyrexia; Pharmacogenic myopathy; RYR1-Related Malignant Hyperthermia Susceptibility; Malignant hyperthermia suceptibility 1. Identifiers: Orphanet 423, MedGen C2930980, MONDO:0007783, OMIM 145600.

Allele frequency attached by ClinVar (database versions not stated): gnomAD exomes below 0.00001.
gnomAD v4.1: 1 of 1,610,682 alleles (0.000062%); highest among the groups gnomAD compares: Non-Finnish European, 0.000085%; no homozygotes.

Submission:

All of Us Research Program, National Institutes of Health
Classification: Uncertain significance for Malignant hyperthermia, susceptibility to, 1. Last evaluated: 2024-02-05. Review status: criteria provided, single submitter. Criteria: ACMG Guidelines, 2015. Collection method: clinical testing. Allele origin: germline. Inheritance: Autosomal dominant inheritance. Observed: 2 variant alleles, 2 heterozygotes.
Comment: This missense variant replaces alanine with serine at codon 1671 of the RYR1 protein. Computational prediction suggests that this variant may not impact protein structure and function (internally defined REVEL score threshold <= 0.5, PMID: 27666373). To our knowledge, functional studies have not been reported for this variant. This variant has not been reported in individuals affected with RYR1-related disorders in the literature. This variant has not been identified in the general population by the Genome Aggregation Database (gnomAD). The available evidence is insufficient to determine the role of this variant in disease conclusively. Therefore, this variant is classified as a Variant of Uncertain Significance.

This study involves interpretation of variants in research participants for the purpose of population health screening. Participant phenotype was not available at the time of variant classification. Additional details can be found in publication PMID: 35346344, PMCID: PMC8962531

NM_000540.3(RYR1):c.5011G>T (p.Ala1671Ser)

Gene: RYR1 (ryanodine receptor 1; plus strand). Cytogenetic location: 19q13.2.
Variant type: single nucleotide variant.
Coding change: c.5011G>T on transcript NM_000540.3 (MANE Select); coding-DNA position 5011, G replaced by T.
Protein change: p.Ala1671Ser; replaces alanine 1671 with serine.
Molecular consequence: missense variant.
Genome position (GRCh38, 1-based): chr19:38,485,666, G>T. VCF-style: chr19-38485666-G-T. GRCh37 (hg19) VCF-style: chr19-38976306-G-T.
Other names: c.5011G>T, p.Ala1671Ser (NM_001042723.2); short protein forms A1671S.
Identifiers: ClinVar variation 3070974 (VCV003070974.1), dbSNP rs1316064829, ClinGen allele CA405653051.